The following is an entry in ClinVar:

ClinVar aggregate classification (germline): Uncertain significance (1 of 4 stars; one submission).

Conditions:
Congenital myasthenic syndrome 8. Also called: MYASTHENIC SYNDROME, CONGENITAL, DUE TO AGRIN DEFICIENCY; Myasthenic syndrome, congenital, 8, with pre- and postsynaptic defects. Identifiers: Orphanet 590, MedGen C3808739, MONDO:0014052, OMIM 615120.

Allele frequency attached by ClinVar (database versions not stated): ExAC 0.00001; gnomAD exomes below 0.00001.

Submission:

Labcorp Genetics (formerly Invitae), Labcorp
Classification: Uncertain significance for Congenital myasthenic syndrome 8. Last evaluated: 2021-09-01. Review status: criteria provided, single submitter. Criteria: Invitae Variant Classification Sherloc (09022015). Collection method: clinical testing. Allele origin: germline.
Comment: This sequence change replaces threonine with isoleucine at codon 521 of the AGRN protein (p.Thr521Ile). The threonine residue is moderately conserved and there is a moderate physicochemical difference between threonine and isoleucine. This variant is present in population databases (rs763120539, ExAC 0.01%). This variant has not been reported in the literature in individuals affected with AGRN-related conditions. Algorithms developed to predict the effect of missense changes on protein structure and function output the following: SIFT: "Tolerated"; PolyPhen-2: "Possibly Damaging"; Align-GVGD: "Class C0". The isoleucine amino acid residue is found in multiple mammalian species, which suggests that this missense change does not adversely affect protein function. In summary, the available evidence is currently insufficient to determine the role of this variant in disease. Therefore, it has been classified as a Variant of Uncertain Significance.

NM_198576.4(AGRN):c.1562C>T (p.Thr521Ile)

Gene: AGRN (agrin; plus strand). Cytogenetic location: 1p36.33.
Variant type: single nucleotide variant.
Coding change: c.1562C>T on transcript NM_198576.4 (MANE Select); coding-DNA position 1562, C replaced by T.
Protein change: p.Thr521Ile; replaces threonine 521 with isoleucine.
Molecular consequence: missense variant.
Genome position (GRCh38, 1-based): chr1:1,043,416, C>T. VCF-style: chr1-1043416-C-T. GRCh37 (hg19) VCF-style: chr1-978796-C-T.
Other names: c.1562C>T, p.Thr521Ile (NM_001305275.2); c.1247C>T, p.Thr416Ile (NM_001364727.2); short protein forms T521I, T416I.
Identifiers: ClinVar variation 1512469 (VCV001512469.5), dbSNP rs763120539, ClinGen allele CA508225.